The following is an entry in ClinVar:

ClinVar aggregate classification (germline): Likely benign (1 of 4 stars; one submission).

Allele frequency attached by ClinVar (database versions not stated): ESP Exome Variant Server 0.00023; TOPMed 0.00029; 1000 Genomes Project 30x 0.00078; gnomAD exomes 0.00091; 1000 Genomes Project 0.00100; ExAC 0.00166.
gnomAD v4.1: 1,624 of 1,614,116 alleles (0.1%); highest among the groups gnomAD compares: Non-Finnish European, 0.046%; 15 homozygotes.

Submission:

CeGaT Center for Human Genetics Tuebingen
Classification: Likely benign. Last evaluated: 2023-12-01. Review status: criteria provided, single submitter. Criteria: CeGaT Center For Human Genetics Tuebingen Variant Classification Criteria Version 2. Collection method: clinical testing. Allele origin: germline. Affected: yes. Observed: 1 variant allele.
Comment: AP1G1: BS2

NM_001128.6(AP1G1):c.1946C>T (p.Pro649Leu)

Gene: AP1G1 (adaptor related protein complex 1 subunit gamma 1; minus strand). Cytogenetic location: 16q22.2.
Variant type: single nucleotide variant.
Coding change: c.1946C>T on transcript NM_001128.6 (MANE Select); coding-DNA position 1946, C replaced by T.
Protein change: p.Pro649Leu; replaces proline 649 with leucine.
Molecular consequence: missense variant.
Genome position (GRCh38, 1-based): chr16:71,745,197, G>A on the plus strand (C>T on the coding strand, the complement: AP1G1 is on the minus strand). VCF-style: chr16-71745197-G-A. GRCh37 (hg19) VCF-style: chr16-71779100-G-A.
Other names: c.1955C>T, p.Pro652Leu (NM_001030007.2); short protein forms P649L, P652L.
Identifiers: ClinVar variation 3024982 (VCV003024982.22), dbSNP rs138355091, ClinGen allele CA8155929.